The following is an entry in ClinVar:

ClinVar aggregate classification (germline): Uncertain significance (1 of 4 stars; one submission).

Allele frequency attached by ClinVar (database versions not stated): ExAC 0.00001; gnomAD exomes 0.00001.
gnomAD v4.1: 3 of 1,613,716 alleles (0.00019%); highest among the groups gnomAD compares: Middle Eastern, 0.017%; no homozygotes.

Submission:

Labcorp Genetics (formerly Invitae), Labcorp
Classification: Uncertain significance. Last evaluated: 2022-10-20. Review status: criteria provided, single submitter. Criteria: Invitae Variant Classification Sherloc (09022015). Collection method: clinical testing. Allele origin: germline.
Comment: In summary, the available evidence is currently insufficient to determine the role of this variant in disease. Therefore, it has been classified as a Variant of Uncertain Significance. Algorithms developed to predict the effect of missense changes on protein structure and function are either unavailable or do not agree on the potential impact of this missense change (SIFT: "Deleterious"; PolyPhen-2: "Benign"; Align-GVGD: "Class C0"). This variant has not been reported in the literature in individuals affected with KLF10-related conditions. This variant is present in population databases (rs747036458, gnomAD 0.007%). This sequence change replaces alanine, which is neutral and non-polar, with valine, which is neutral and non-polar, at codon 113 of the KLF10 protein (p.Ala113Val).

NM_005655.4(KLF10):c.338C>T (p.Ala113Val)

Gene: KLF10 (KLF transcription factor 10; minus strand). Cytogenetic location: 8q22.3.
Variant type: single nucleotide variant.
Coding change: c.338C>T on transcript NM_005655.4 (MANE Select); coding-DNA position 338, C replaced by T.
Protein change: p.Ala113Val; replaces alanine 113 with valine.
Molecular consequence: missense variant.
Genome position (GRCh38, 1-based): chr8:102,651,994, G>A on the plus strand (C>T on the coding strand, the complement: KLF10 is on the minus strand). VCF-style: chr8-102651994-G-A. GRCh37 (hg19) VCF-style: chr8-103664222-G-A.
Other names: c.305C>T, p.Ala102Val (NM_001032282.4); short protein forms A102V, A113V.
Identifiers: ClinVar variation 1932786 (VCV001932786.5), dbSNP rs747036458, ClinGen allele CA4833624.